The following is an entry in ClinVar:

NM_006269.2(RP1):c.615+1G>T

Gene: RP1 (RP1 axonemal microtubule associated; plus strand). Cytogenetic location: 8q12.1.
Variant type: single nucleotide variant.
Coding change: c.615+1G>T on transcript NM_006269.2 (MANE Select); the canonical splice donor site of the intron after coding-DNA position 615, G replaced by T.
Molecular consequence: splice donor variant.
Genome position (GRCh38, 1-based): chr8:54,621,582, G>T. VCF-style: chr8-54621582-G-T. GRCh37 (hg19) VCF-style: chr8-55534142-G-T.
Other names: c.615+1G>T (NM_001375654.1).
Identifiers: ClinVar variation 1297109 (VCV001297109.2), dbSNP rs886210482, ClinGen allele CA370987444.

ClinVar aggregate classification (germline): Likely pathogenic (1 of 4 stars; one submission).

Conditions:
Retinitis pigmentosa (RP). Identifiers: Orphanet 791, MedGen C0035334, MeSH D012174, MONDO:0019200, OMIM 268000. Inheritance: Autosomal dominant, autosomal recessive and X linked inheritance.

Submission:

Broad Center for Mendelian Genomics, Broad Institute of MIT and Harvard
Classification: Likely pathogenic for Retinitis pigmentosa. Last evaluated: 2021-04-01. Review status: criteria provided, single submitter. Criteria: ACMG Guidelines, 2015. Collection method: curation. Allele origin: germline. Inheritance: Autosomal recessive inheritance. Affected: yes.
Comment: Through a review of available evidence we were able to apply the following criteria: PVS1, PM2. Based on this evidence we have classified this variant as Likely Pathogenic. If you have any questions about the classification please reach out to the Pierce Lab.

Literature cited by the submitters: PubMed 34906470.